The following is an entry in ClinVar:

ClinVar aggregate classification (germline): Uncertain significance. Review status: criteria provided, multiple submitters, no conflicts (2 of 4 stars). 2 submissions from 2 submitters: Uncertain significance (2). Last evaluated 2022-11-08.

Conditions:
Inborn genetic diseases. Identifiers: MedGen C0950123, MeSH D030342.

gnomAD v4.1: 6 of 1,613,898 alleles (0.00037%); highest among the groups gnomAD compares: Non-Finnish European, 0.00051%; no homozygotes.

Submissions (2):

Ambry Genetics
Classification: Uncertain significance for Inborn genetic diseases. Last evaluated: 2022-11-08. Review status: criteria provided, single submitter. Criteria: Ambry Variant Classification Scheme 2023. Collection method: clinical testing. Allele origin: germline.

Labcorp Genetics (formerly Invitae), Labcorp
Classification: Uncertain significance. Last evaluated: 2022-10-14. Review status: criteria provided, single submitter. Criteria: Invitae Variant Classification Sherloc (09022015). Collection method: clinical testing. Allele origin: germline.
Comment: This variant is not present in population databases (gnomAD no frequency). This sequence change replaces alanine, which is neutral and non-polar, with glycine, which is neutral and non-polar, at codon 1337 of the TECTA protein (p.Ala1337Gly). This variant has not been reported in the literature in individuals affected with TECTA-related conditions. In summary, the available evidence is currently insufficient to determine the role of this variant in disease. Therefore, it has been classified as a Variant of Uncertain Significance. Advanced modeling of protein sequence and biophysical properties (such as structural, functional, and spatial information, amino acid conservation, physicochemical variation, residue mobility, and thermodynamic stability) performed at Invitae indicates that this missense variant is not expected to disrupt TECTA protein function.

NM_005422.4(TECTA):c.4010C>G (p.Ala1337Gly)

Genes: TBCEL-TECTA (TBCEL-TECTA readthrough; plus strand), TECTA (tectorin alpha; plus strand). Cytogenetic location: 11q23.3.
Variant type: single nucleotide variant.
Coding change: c.4010C>G on transcript NM_005422.4 (MANE Select); coding-DNA position 4010, C replaced by G.
Protein change: p.Ala1337Gly; replaces alanine 1337 with glycine.
Molecular consequence: missense variant.
Genome position (GRCh38, 1-based): chr11:121,146,021, C>G. VCF-style: chr11-121146021-C-G. GRCh37 (hg19) VCF-style: chr11-121016730-C-G.
Other names: c.4967C>G, p.Ala1656Gly (NM_001378761.1); short protein forms A1337G, A1656G.
Identifiers: ClinVar variation 1717893 (VCV001717893.7), dbSNP rs535440644, ClinGen allele CA383022992.
Genomic context (GRCh38, chr11:121,146,021, plus strand): 5'-AAGTTAACCCCACCTTCTTCTATAAGAACTGCCTGTTTGACTCTTGCATCGATGGGGGCG[C>G]GGTGCAGACCGCCTGCAGCTGGCTGCAGAACTACGCCAGCACCTGCCAGACTCAGGGGAT-3'
Protein context (NP_005413.2, residues 1327-1347): CLFDSCIDGG[Ala1337Gly]VQTACSWLQN